The following is an entry in ClinVar:

NM_004706.4(ARHGEF1):c.1994-5C>T

Gene: ARHGEF1 (Rho guanine nucleotide exchange factor 1; plus strand). Cytogenetic location: 19q13.2.
Variant type: single nucleotide variant.
Coding change: c.1994-5C>T on transcript NM_004706.4 (MANE Select); 5 bases into the intron before coding-DNA position 1994, C replaced by T.
Molecular consequence: intron variant.
Genome position (GRCh38, 1-based): chr19:41,904,211, C>T. VCF-style: chr19-41904211-C-T. GRCh37 (hg19) VCF-style: chr19-42408363-C-T.
Other names: c.1895-5C>T (NM_198977.2); c.2039-5C>T (NM_199002.2).
Identifiers: ClinVar variation 1059733 (VCV001059733.10), dbSNP rs782796215, ClinGen allele CA9466580.
Genomic context (GRCh38, chr19:41,904,211, plus strand): 5'-AGTGAGCCAAGGGCGGGGAGGGGGTCGCGCGGGGGCACGCCGTGTGAGCACTGCTCGCCC[C>T]GTAGAGGTGCATGTGCTGCTGCTGGACGACCTGCTGCTGCTGCTCCAGCGCCAGGACGAG-3'

ClinVar aggregate classification (germline): Conflicting classifications of pathogenicity. Review status: criteria provided, conflicting classifications (1 of 4 stars). 3 submissions from 3 submitters: Uncertain significance (1); Likely benign (2). Last evaluated 2026-01-26.

Allele frequency attached by ClinVar (database versions not stated): TOPMed 0.00004.
gnomAD v4.1: 83 of 1,613,332 alleles (0.0051%); highest among the groups gnomAD compares: Admixed American, 0.035%; no homozygotes.

Submissions (3):

Labcorp Genetics (formerly Invitae), Labcorp
Classification: Likely benign. Last evaluated: 2026-01-26. Review status: criteria provided, single submitter. Criteria: Invitae Variant Classification Sherloc (09022015). Collection method: clinical testing. Allele origin: germline.

Dasa
Classification: Uncertain significance. Last evaluated: 2025-08-07. Review status: criteria provided, single submitter. Criteria: DASA Assertion Criteria. Collection method: clinical testing. Allele origin: germline.
Comment: NM_004706.4(ARHGEF1):c.1994-5C>T is a splice-region variant. This variant is rare in population databases. Computational prediction algorithms are consistent with a benign effect. The currently available literature and clinical evidence are not sufficient to establish a definitive association between this variant and the reported condition. Therefore, this variant is classified as a variant of uncertain significance.

Blueprint Genetics
Classification: Likely benign. Last evaluated: 2023-10-04. Review status: criteria provided, single submitter. Criteria: ACMG Guidelines, 2015. Collection method: clinical testing. Allele origin: germline.